The following is an entry in ClinVar:

NM_001166108.2(PALLD):c.408C>A (p.Ser136Arg)

Gene: PALLD (palladin, cytoskeletal associated protein; plus strand). Cytogenetic location: 4q32.3.
Variant type: single nucleotide variant.
Coding change: c.408C>A on transcript NM_001166108.2 (MANE Select); coding-DNA position 408, C replaced by A.
Protein change: p.Ser136Arg; replaces serine 136 with arginine.
Molecular consequence: missense variant.
Genome position (GRCh38, 1-based): chr4:168,511,912, C>A. VCF-style: chr4-168511912-C-A. GRCh37 (hg19) VCF-style: chr4-169433063-C-A.
Other names: c.408C>A, p.Ser136Arg (NM_016081.4); short protein forms S136R.
Identifiers: ClinVar variation 3347999 (VCV003347999.1).

ClinVar aggregate classification (germline): Uncertain significance (0 of 4 stars; one submission).

Conditions:
PALLD-related disorder. Also called: PALLD-related condition.

gnomAD v4.1: 8 of 1,614,206 alleles (0.0005%); highest among the groups gnomAD compares: Non-Finnish European, 0.00051%; no homozygotes.

Submission:

PreventionGenetics, part of Exact Sciences
Classification: Uncertain significance for PALLD-related condition. Last evaluated: 2024-03-08. Review status: no assertion criteria provided. Collection method: clinical testing. Allele origin: germline.
Comment: The PALLD c.408C>A variant is predicted to result in the amino acid substitution p.Ser136Arg. To our knowledge, this variant has not been reported in the literature. This variant is reported in 0.00088% of alleles in individuals of European (Non-Finnish) descent in gnomAD. At this time, the clinical significance of this variant is uncertain due to the absence of conclusive functional and genetic evidence.